The following is an entry in ClinVar:

NM_004360.5(CDH1):c.805G>C (p.Gly269Arg)

Gene: CDH1 (cadherin 1; plus strand). Cytogenetic location: 16q22.1.
Variant type: single nucleotide variant.
Coding change: c.805G>C on transcript NM_004360.5 (MANE Select); coding-DNA position 805, G replaced by C.
Protein change: p.Gly269Arg; replaces glycine 269 with arginine.
Molecular consequence: missense variant. On other transcripts: 5 prime UTR variant (2).
Genome position (GRCh38, 1-based): chr16:68,810,314, G>C. VCF-style: chr16-68810314-G-C. GRCh37 (hg19) VCF-style: chr16-68844217-G-C.
Other names: c.805G>C, p.Gly269Arg (NM_001317184.2); c.-811G>C (NM_001317185.2); c.-1015G>C (NM_001317186.2); short protein forms G269R.
Identifiers: ClinVar variation 3265148 (VCV003265148.1).

ClinVar aggregate classification (germline): Uncertain significance (1 of 4 stars; one submission).

Conditions:
Hereditary cancer-predisposing syndrome. Also called: Hereditary Cancer Syndrome; Tumor predisposition; Hereditary neoplastic syndrome; Neoplastic Syndromes, Hereditary. Identifiers: Orphanet 140162, MedGen C0027672, MeSH D009386, MONDO:0015356.

gnomAD v4.1: 1 of 1,614,070 alleles (0.000062%); highest among the groups gnomAD compares: East Asian, 0.0022%; no homozygotes.

Submission:

Ambry Genetics
Classification: Uncertain significance for Hereditary cancer-predisposing syndrome. Last evaluated: 2024-06-19. Review status: criteria provided, single submitter. Criteria: Ambry Variant Classification Scheme 2023. Collection method: clinical testing. Allele origin: germline.
Comment: The p.G269R variant (also known as c.805G>C), located in coding exon 6 of the CDH1 gene, results from a G to C substitution at nucleotide position 805. The glycine at codon 269 is replaced by arginine, an amino acid with dissimilar properties. This amino acid position is highly conserved in available vertebrate species. In addition, this alteration is predicted to be deleterious by in silico analysis. Based on the available evidence, the clinical significance of this variant remains unclear.